The following is an entry in ClinVar:

NM_000257.4(MYH7):c.4096T>C (p.Ser1366Pro)

Gene: MYH7 (myosin heavy chain 7; minus strand). Cytogenetic location: 14q11.2.
Variant type: single nucleotide variant.
Coding change: c.4096T>C on transcript NM_000257.4 (MANE Select); coding-DNA position 4096, T replaced by C.
Protein change: p.Ser1366Pro; replaces serine 1366 with proline.
Molecular consequence: missense variant.
Genome position (GRCh38, 1-based): chr14:23,418,283, A>G on the plus strand (T>C on the coding strand, the complement: MYH7 is on the minus strand). VCF-style: chr14-23418283-A-G. GRCh37 (hg19) VCF-style: chr14-23887492-A-G.
Other names: c.4096T>C, p.Ser1366Pro (NM_001407004.1); short protein forms S1366P.
Identifiers: ClinVar variation 4801920 (VCV004801920.1).

ClinVar aggregate classification (germline): Uncertain significance (1 of 4 stars; one submission).

Conditions:
Hypertrophic cardiomyopathy. Also called: HYPERTROPHIC MYOCARDIOPATHY. Identifiers: Orphanet 217569, MedGen C0007194, MeSH D002312, MONDO:0005045, HP:0001639.

Submission:

Labcorp Genetics (formerly Invitae), Labcorp
Classification: Uncertain significance for Hypertrophic cardiomyopathy. Last evaluated: 2026-01-02. Review status: criteria provided, single submitter. Criteria: Invitae Variant Classification Sherloc (09022015). Collection method: clinical testing. Allele origin: germline.
Comment: This sequence change replaces serine, which is neutral and polar, with proline, which is neutral and non-polar, at codon 1366 of the MYH7 protein (p.Ser1366Pro). This variant is not present in population databases (gnomAD no frequency). This variant has not been reported in the literature in individuals affected with MYH7-related conditions. Invitae Evidence Modeling of protein sequence and biophysical properties (such as structural, functional, and spatial information, amino acid conservation, physicochemical variation, residue mobility, and thermodynamic stability) indicates that this missense variant is expected to disrupt MYH7 protein function with a positive predictive value of 95%. In summary, the available evidence is currently insufficient to determine the role of this variant in disease. Therefore, it has been classified as a Variant of Uncertain Significance.